The following is an entry in ClinVar:

NM_004208.4(AIFM1):c.110A>C (p.Asn37Thr)

Genes: AIFM1 (apoptosis inducing factor mitochondria associated 1; minus strand), RAB33A (RAB33A, member RAS oncogene family; plus strand). Cytogenetic location: Xq26.1.
Variant type: single nucleotide variant.
Coding change: c.110A>C on transcript NM_004208.4 (MANE Select); coding-DNA position 110, A replaced by C.
Protein change: p.Asn37Thr; replaces asparagine 37 with threonine.
Molecular consequence: missense variant. On other transcripts: intron variant (1).
Genome position (GRCh38, 1-based): chrX:130,156,600, T>G on the plus strand (A>C on the coding strand, the complement: AIFM1 is on the minus strand). VCF-style: chrX-130156600-T-G. GRCh37 (hg19) VCF-style: chrX-129290574-T-G.
Other names: c.110A>C, p.Asn37Thr (NM_001130847.4); c.107-1314A>C (NM_145812.3); short protein forms N37T.
Identifiers: ClinVar variation 1399838 (VCV001399838.6), dbSNP rs1353159825, ClinGen allele CA414593983.
Genomic context (GRCh38, chrX:130,156,600, plus strand): 5'-GAGCTAGCCATTTGTCTTGTCATCTGGAGTTCTAGAGGAACATGCCATCGCTGGAACAAG[T>G]TGCCTAAGAAACATAATTTATTAAGACACACACATACAAAAATAAAATAGTTAATACATA-3'
Protein context (NP_004199.1, residues 27-47): SPRQRNRLPG[Asn37Thr]LFQRWHVPLE

ClinVar aggregate classification (germline): Uncertain significance (1 of 4 stars; one submission).

Conditions:
Charcot-Marie-Tooth Neuropathy X. Identifiers: MedGen CN118851.
Combined oxidative phosphorylation deficiency. Identifiers: MedGen C4540031, MONDO:0000732.

Allele frequency attached by ClinVar (database versions not stated): TOPMed 0.00001; gnomAD 0.00003.
gnomAD v4.1: 5 of 1,209,319 alleles (0.00041%); highest among the groups gnomAD compares: African/African-American, 0.0087%; no homozygotes.

Submission:

Labcorp Genetics (formerly Invitae), Labcorp
Classification: Uncertain significance for Charcot-Marie-Tooth Neuropathy X; Combined oxidative phosphorylation deficiency. Last evaluated: 2021-08-03. Review status: criteria provided, single submitter. Criteria: Invitae Variant Classification Sherloc (09022015). Collection method: clinical testing. Allele origin: germline.
Comment: This variant is not present in population databases (ExAC no frequency). In summary, the available evidence is currently insufficient to determine the role of this variant in disease. Therefore, it has been classified as a Variant of Uncertain Significance. Algorithms developed to predict the effect of missense changes on protein structure and function (SIFT, PolyPhen-2, Align-GVGD) all suggest that this variant is likely to be tolerated. This variant has not been reported in the literature in individuals affected with AIFM1-related conditions. This sequence change replaces asparagine with threonine at codon 37 of the AIFM1 protein (p.Asn37Thr). The asparagine residue is weakly conserved and there is a small physicochemical difference between asparagine and threonine.